The following is an entry in ClinVar:

NM_025114.4(CEP290):c.5896del (p.Thr1966fs)

Gene: CEP290 (centrosomal protein 290; minus strand). Cytogenetic location: 12q21.32.
Variant type: Deletion.
Coding change: c.5896del on transcript NM_025114.4 (MANE Select); coding-DNA position 5896, one base deleted (A; older notation c.5896delA).
Protein change: p.Thr1966fs; shifts the reading frame from threonine 1966.
Molecular consequence: frameshift variant.
Genome position (GRCh38, 1-based): chr12:88,071,409, T deleted on the plus strand (A on the coding strand, the reverse complement: CEP290 is on the minus strand); the first of 5 consecutive T bases (chr12:88,071,409-88,071,413); deleting any one gives the same sequence. VCF-style (leftmost placement, unchanged base first): chr12-88071408-GT-G. GRCh37 (hg19) VCF-style: chr12-88465185-GT-G.
Other names: short protein forms T1966fs.
Identifiers: ClinVar variation 5014288 (VCV005014288.1).

ClinVar aggregate classification (germline): Pathogenic (1 of 4 stars; one submission).

Conditions:
CEP290-related ciliopathy. Also called: CEP290 ciliopathy. Identifiers: MedGen CN305601, MONDO:0100451.

Submission:

Myriad Genetics, Inc.
Classification: Pathogenic for CEP290-related ciliopathy. Last evaluated: 2025-04-01. Review status: criteria provided, single submitter. Criteria: Myriad Autosomal Dominant, Autosomal Recessive and X-Linked Classification Criteria (2023). Collection method: clinical testing. Allele origin: unknown.
Comment: NM_025114.3(CEP290):c.5896delA(T1966Qfs*4) is expected to be pathogenic in the context of CEP290-related disorders. This variant is predicted to lead to an abnormal or absent protein product due to the creation of a premature termination codon in CEP290, a gene where loss-of-function variants are known to be pathogenic. Please note: this variant was assessed in the context of healthy population screening.